The following is an entry in ClinVar:

ClinVar aggregate classification (germline): Conflicting classifications of pathogenicity. Review status: criteria provided, conflicting classifications (1 of 4 stars). 2 submissions from 2 submitters: Likely pathogenic (1); Uncertain significance (1). Last evaluated 2025-03-25.

Conditions:
Neuromuscular disease caused by qualitative or quantitative defects of dysferlin. Also called: Qualitative or quantitative defects of dysferlin; Dysferlinopathy. Identifiers: Orphanet 207073, MedGen C2931687, MONDO:0016145.

Submissions (2):

Labcorp Genetics (formerly Invitae), Labcorp
Classification: Likely pathogenic for Neuromuscular disease caused by qualitative or quantitative defects of dysferlin. Last evaluated: 2025-03-25. Review status: criteria provided, single submitter. Criteria: Invitae Variant Classification Sherloc (09022015). Collection method: clinical testing. Allele origin: germline.
Comment: This sequence change replaces phenylalanine, which is neutral and non-polar, with isoleucine, which is neutral and non-polar, at codon 1867 of the DYSF protein (p.Phe1867Ile). This variant is not present in population databases (gnomAD no frequency). This variant has not been reported in the literature in individuals affected with DYSF-related conditions. ClinVar contains an entry for this variant (Variation ID: 594520). Invitae Evidence Modeling of protein sequence and biophysical properties (such as structural, functional, and spatial information, amino acid conservation, physicochemical variation, residue mobility, and thermodynamic stability) indicates that this missense variant is expected to disrupt DYSF protein function with a positive predictive value of 95%. This variant disrupts the p.Phe1867 amino acid residue in DYSF. Other variant(s) that disrupt this residue have been determined to be pathogenic (PMID: 21392994; internal data). This suggests that this residue is clinically significant, and that variants that disrupt this residue are likely to be disease-causing. In summary, the currently available evidence indicates that the variant is pathogenic, but additional data are needed to prove that conclusively. Therefore, this variant has been classified as Likely Pathogenic.

Eurofins Ntd Llc (ga)
Classification: Uncertain significance. Last evaluated: 2017-10-16. Review status: criteria provided, single submitter. Criteria: EGL Classification Definitions 2015. Collection method: clinical testing. Allele origin: germline. Observed: 1 variant allele, 1 heterozygote.

Literature cited by the submitters: PubMed 21392994 (cited by Labcorp Genetics (formerly Invitae), Labcorp).

NM_001130987.2(DYSF):c.5716T>A (p.Phe1906Ile)

Gene: DYSF (dysferlin; plus strand). Cytogenetic location: 2p13.2.
Variant type: single nucleotide variant.
Coding change: c.5716T>A on transcript NM_001130987.2 (MANE Select); coding-DNA position 5716, T replaced by A.
Protein change: p.Phe1906Ile; replaces phenylalanine 1906 with isoleucine.
Molecular consequence: missense variant.
Genome position (GRCh38, 1-based): chr2:71,669,678, T>A. VCF-style: chr2-71669678-T-A. GRCh37 (hg19) VCF-style: chr2-71896808-T-A.
Other names: c.5599T>A, p.Phe1867Ile (NM_003494.4); c.5602T>A, p.Phe1868Ile (NM_001130455.2); c.5557T>A, p.Phe1853Ile (NM_001130976.2); c.5620T>A, p.Phe1874Ile (NM_001130977.2); c.5662T>A, p.Phe1888Ile (NM_001130978.2); c.5692T>A, p.Phe1898Ile (NM_001130979.2); c.5650T>A, p.Phe1884Ile (NM_001130980.2); c.5713T>A, p.Phe1905Ile (NM_001130981.2); and 5 more; short protein forms F1867I, F1906I, F1853I, F1854I, F1889I, F1899I, F1905I, F1874I.
Identifiers: ClinVar variation 594520 (VCV000594520.6), dbSNP rs1558787823, ClinGen allele CA347223803.